The following is an entry in ClinVar:

NM_003001.5(SDHC):c.250C>A (p.Leu84Ile)

Gene: SDHC (succinate dehydrogenase complex subunit C; plus strand). Cytogenetic location: 1q23.3.
Variant type: single nucleotide variant.
Coding change: c.250C>A on transcript NM_003001.5 (MANE Select); coding-DNA position 250, C replaced by A.
Protein change: p.Leu84Ile; replaces leucine 84 with isoleucine.
Molecular consequence: missense variant. On other transcripts: non-coding transcript variant (1), intron variant (3).
Genome position (GRCh38, 1-based): chr1:161,356,685, C>A. VCF-style: chr1-161356685-C-A. GRCh37 (hg19) VCF-style: chr1-161326475-C-A.
Other names: c.148C>A, p.Leu50Ile (NM_001035512.3); c.91C>A, p.Leu31Ile (NM_001035513.3); c.370C>A, p.Leu124Ile (NM_001407115.1); c.193C>A, p.Leu65Ile (NM_001407116.1); c.187C>A, p.Leu63Ile (NM_001407117.1); c.142C>A, p.Leu48Ile (NM_001407118.1); c.139C>A, p.Leu47Ile (NM_001407119.1, NM_001407120.1); c.242-5644C>A (NM_001035511.3); and 2 more; short protein forms L31I, L50I, L84I, L63I, L65I, L124I, L48I, L47I.
Identifiers: ClinVar variation 1060717 (VCV001060717.10), dbSNP rs942160050, ClinGen allele CA343456231.
Genomic context (GRCh38, chr1:161,356,685, plus strand): 5'-ATTAGTTGTAACTTATGAGCAGCTGTGACAAGCTACTTGGTTTTCTCCTCAGGGGTCTCT[C>A]TTTTTGGCATGTCGGCCCTGTTACTCCCTGGGAACTTTGAGTCTTATTTGGAACTTGTGA-3'
Protein context (NP_002992.1, residues 74-94): TGIALSAGVS[Leu84Ile]FGMSALLLPG

ClinVar aggregate classification (germline): Uncertain significance. Review status: criteria provided, multiple submitters, no conflicts (2 of 4 stars). 3 submissions from 3 submitters: Uncertain significance (3). Last evaluated 2025-10-07.

Conditions:
Gastrointestinal stromal tumor. Also called: Gastrointestinal stromal tumor, somatic; Gastrointestinal stroma tumor. Identifiers: Orphanet 44890, MedGen C0238198, MeSH D046152, MONDO:0011719, OMIM 606764, HP:0100723.
Pheochromocytoma/paraganglioma syndrome 3. Also called: GLOMUS TUMORS, FAMILIAL, 3; SDHC-Related Hereditary Paraganglioma-Pheochromocytoma Syndrome (Paragangliomas 3); Paragangliomas 3; SDHC-Related Hereditary Paraganglioma-Pheochromocytoma Syndrome. Identifiers: Orphanet 29072, MedGen C1854336, MONDO:0011544, OMIM 605373.
Hereditary cancer-predisposing syndrome. Also called: Tumor predisposition; Neoplastic Syndromes, Hereditary; Hereditary neoplastic syndrome; Hereditary Cancer Syndrome. Identifiers: Orphanet 140162, MedGen C0027672, MeSH D009386, MONDO:0015356.
Hereditary pheochromocytoma and paraganglioma. Also called: Hereditary paragangliomas and pheochromocytomas; Hereditary Paraganglioma-Pheochromocytoma Syndromes; Hereditary pheochromocytoma-paraganglioma. Identifiers: Orphanet 29072, MedGen C4274332, MONDO:0017366.

Allele frequency attached by ClinVar (database versions not stated): gnomAD exomes below 0.00001; TOPMed below 0.00001.
gnomAD v4.1: 1 of 1,613,966 alleles (0.000062%); highest among the groups gnomAD compares: African/African-American, 0.0013%; no homozygotes.

Submissions (3):

Labcorp Genetics (formerly Invitae), Labcorp
Classification: Uncertain significance for Pheochromocytoma/paraganglioma syndrome 3; Gastrointestinal stromal tumor. Last evaluated: 2025-10-07. Review status: criteria provided, single submitter. Criteria: Invitae Variant Classification Sherloc (09022015). Collection method: clinical testing. Allele origin: germline.
Comment: This sequence change replaces leucine, which is neutral and non-polar, with isoleucine, which is neutral and non-polar, at codon 84 of the SDHC protein (p.Leu84Ile). This variant is present in population databases (no rsID available, gnomAD 0.007%). This variant has not been reported in the literature in individuals affected with SDHC-related conditions. ClinVar contains an entry for this variant (Variation ID: 1060717). An algorithm developed to predict the effect of missense changes on protein structure and function (PolyPhen-2) suggests that this variant is likely to be disruptive. In summary, the available evidence is currently insufficient to determine the role of this variant in disease. Therefore, it has been classified as a Variant of Uncertain Significance.

Ambry Genetics
Classification: Uncertain significance for Hereditary cancer-predisposing syndrome. Last evaluated: 2025-04-17. Review status: criteria provided, single submitter. Criteria: Ambry Variant Classification Scheme 2023. Collection method: clinical testing. Allele origin: germline.
Comment: The p.L84I variant (also known as c.250C>A), located in coding exon 5 of the SDHC gene, results from a C to A substitution at nucleotide position 250. The leucine at codon 84 is replaced by isoleucine, an amino acid with highly similar properties. This amino acid position is conserved. In addition, the in silico prediction for this alteration is inconclusive. Since supporting evidence is limited at this time, the clinical significance of this alteration remains unclear.

All of Us Research Program, National Institutes of Health
Classification: Uncertain significance for Hereditary pheochromocytoma and paraganglioma. Last evaluated: 2024-03-05. Review status: criteria provided, single submitter. Criteria: ACMG Guidelines, 2015. Collection method: clinical testing. Allele origin: germline. Inheritance: Autosomal dominant inheritance. Observed: 1 variant allele, 1 heterozygote.
Comment: This study involves interpretation of variants in research participants for the purpose of population health screening. Participant phenotype was not available at the time of variant classification. Additional details can be found in publication PMID: 35346344, PMCID: PMC8962531